The following is an entry in ClinVar:

ClinVar aggregate classification (germline): Likely benign (1 of 4 stars; one submission).

Allele frequency attached by ClinVar (database versions not stated): gnomAD exomes 0.00130; gnomAD 0.01415 and 0.01532; 1000 Genomes Project 0.01498; TOPMed 0.01569; 1000 Genomes Project 30x 0.01593.
gnomAD v4.1: 4,096 of 1,607,528 alleles (0.25%); highest among the groups gnomAD compares: African/African-American, 5%; 84 homozygotes.

Submission:

GeneDx
Classification: Likely benign. Last evaluated: 2018-06-16. Review status: criteria provided, single submitter. Criteria: GeneDx Variant Classification (06012015). Collection method: clinical testing. Allele origin: germline. Affected: yes.
Comment: This variant is considered likely benign or benign based on one or more of the following criteria: it is a conservative change, it occurs at a poorly conserved position in the protein, it is predicted to be benign by multiple in silico algorithms, and/or has population frequency not consistent with disease.

NM_182961.4(SYNE1):c.17851-100C>T

Gene: SYNE1 (spectrin repeat containing nuclear envelope protein 1; minus strand). Cytogenetic location: 6q25.2.
Variant type: single nucleotide variant.
Coding change: c.17851-100C>T on transcript NM_182961.4 (MANE Select); 100 bases into the intron before coding-DNA position 17851, C replaced by T.
Molecular consequence: intron variant.
Genome position (GRCh38, 1-based): chr6:152,293,849, G>A on the plus strand (C>T on the coding strand, the complement: SYNE1 is on the minus strand). VCF-style: chr6-152293849-G-A. GRCh37 (hg19) VCF-style: chr6-152614984-G-A.
Other names: c.17638-100C>T (NM_033071.5).
Identifiers: ClinVar variation 679104 (VCV000679104.1), dbSNP rs78552550, ClinGen allele CA150193050.